The following is an entry in ClinVar:

ClinVar aggregate classification (germline): Uncertain significance. Review status: criteria provided, multiple submitters, no conflicts (2 of 4 stars). 2 submissions from 2 submitters: Uncertain significance (2). Last evaluated 2025-11-03.

Conditions:
Ehlers-Danlos syndrome, type 4 (EDSVASC). Also called: Ehlers-Danlos syndrome vascular type; Ehlers Danlos syndrome, ecchymotic type; Ehlers Danlos syndrome, arterial type; Ehlers Danlos syndrome, Sack-Barabas type; Ehlers-Danlos Syndrome Type IV. Identifiers: Orphanet 286, MedGen C0268338, MONDO:0017314, OMIM 130050.
Familial thoracic aortic aneurysm and aortic dissection (TAAD). Also called: Thoracic aortic aneurysms and dissections. Identifiers: Orphanet 91387, MedGen C4707243, MONDO:0019625.

gnomAD v4.1: 2 of 1,614,046 alleles (0.00012%); highest among the groups gnomAD compares: Middle Eastern, 0.016%; no homozygotes.

Submissions (2):

Color Diagnostics, LLC DBA Color Health
Classification: Uncertain significance for Familial thoracic aortic aneurysm and aortic dissection. Last evaluated: 2025-11-03. Review status: criteria provided, single submitter. Criteria: ACMG Guidelines, 2015. Collection method: clinical testing. Allele origin: germline.
Comment: This missense variant replaces asparagine with tyrosine at codon 1295 of the COL3A1 protein. Computational prediction is inconclusive regarding the impact of this variant on protein structure and function. To our knowledge, functional studies have not been reported for this variant. This variant has not been reported in individuals affected with COL3A1-related disorders in the literature. This variant has been identified in 1/251412 chromosomes in the general population by the Genome Aggregation Database (gnomAD). The available evidence is insufficient to determine the role of this variant in disease conclusively. Therefore, this variant is classified as a Variant of Uncertain Significance.

All of Us Research Program, National Institutes of Health
Classification: Uncertain significance for Ehlers-Danlos syndrome, type 4. Last evaluated: 2024-07-20. Review status: criteria provided, single submitter. Criteria: ACMG Guidelines, 2015. Collection method: clinical testing. Allele origin: germline. Inheritance: Autosomal dominant inheritance. Observed: 1 variant allele, 1 heterozygote.
Comment: This missense variant replaces asparagine with tyrosine at codon 1295 of the COL3A1 protein. Computational prediction is inconclusive regarding the impact of this variant on protein structure and function (internally defined REVEL score threshold 0.5 < inconclusive < 0.7, PMID: 27666373). To our knowledge, functional studies have not been reported for this variant. This variant has not been reported in individuals affected with COL3A1-related disorders in the literature. This variant has been identified in 1/251412 chromosomes in the general population by the Genome Aggregation Database (gnomAD). The available evidence is insufficient to determine the role of this variant in disease conclusively. Therefore, this variant is classified as a Variant of Uncertain Significance.

This study involves interpretation of variants in research participants for the purpose of population health screening. Participant phenotype was not available at the time of variant classification. Additional details can be found in publication PMID: 35346344, PMCID: PMC8962531

NM_000090.4(COL3A1):c.3883A>T (p.Asn1295Tyr)

Gene: COL3A1 (collagen type III alpha 1 chain; plus strand). Cytogenetic location: 2q32.2.
Variant type: single nucleotide variant.
Coding change: c.3883A>T on transcript NM_000090.4 (MANE Select); coding-DNA position 3883, A replaced by T.
Protein change: p.Asn1295Tyr; replaces asparagine 1295 with tyrosine.
Molecular consequence: missense variant.
Genome position (GRCh38, 1-based): chr2:189,010,237, A>T. VCF-style: chr2-189010237-A-T. GRCh37 (hg19) VCF-style: chr2-189874963-A-T.
Other names: short protein forms N1295Y.
Identifiers: ClinVar variation 3386497 (VCV003386497.2).
Genomic context (GRCh38, chr2:189,010,237, plus strand): 5'-GGAGAATACTGGGTTGACCCTAACCAAGGATGCAAATTGGATGCTATCAAGGTATTCTGT[A>T]ATATGGAAACTGGGGAAACATGCATAAGTGCCAATCCTTTGAATGTTCCACGGAAACACT-3'
Protein context (NP_000081.2, residues 1285-1305): CKLDAIKVFC[Asn1295Tyr]METGETCISA